The following is an entry in ClinVar:

ClinVar aggregate classification (germline): Likely pathogenic (1 of 4 stars; one submission).

Conditions:
Coffin-Siris syndrome 8. Identifiers: MedGen C5193054, MONDO:0032702, OMIM 618362.

Submission:

Department of Clinical Genetics, Copenhagen University Hospital, Rigshospitalet
Classification: Likely pathogenic for Coffin-Siris syndrome 8. Last evaluated: 2024-09-27. Review status: criteria provided, single submitter. Criteria: ACMG Guidelines, 2015. Collection method: clinical testing. Allele origin: germline. Affected: yes.
Comment: The following ACMG criteria has been used: PVS1; PM2_Sup

NM_001330288.2(SMARCC2):c.80_83del (p.Val27fs)

Genes: SMARCC2 (SWI/SNF related BAF chromatin remodeling complex subunit C2; minus strand), LOC130008058 (ATAC-STARR-seq lymphoblastoid silent region 4548; plus strand). Cytogenetic location: 12q13.2.
Variant type: Deletion.
Coding change: c.80_83del on transcript NM_001330288.2 (MANE Select); coding-DNA positions 80 to 83, 4 bases deleted (TGCG; older notation c.80_83delTGCG).
Protein change: p.Val27fs; shifts the reading frame from valine 27.
Molecular consequence: frameshift variant.
Genome position (GRCh38, 1-based): chr12:56,189,379-56,189,382, CGCA deleted on the plus strand (TGCG on the coding strand, the reverse complement: SMARCC2 is on the minus strand); deleting any 4 consecutive bases within chr12:56,189,379-56,189,384 gives the same sequence; the c. name uses the placement nearest the transcript's 3' end. VCF-style (leftmost placement, unchanged base first): chr12-56189378-CCGCA-C. GRCh37 (hg19) VCF-style: chr12-56583162-CCGCA-C.
Other names: c.80_83del, p.Val27fs (NM_001130420.3, NM_003075.5, NM_139067.4); short protein forms V27fs.
Identifiers: ClinVar variation 3899280 (VCV003899280.1).
Genomic context (GRCh38, chr12:56,189,378, plus strand): 5'-CGGTCCCCGCGCGGCCCGGCCCGGCCCGCGTACCTTCTTGTAGTTCTTGCCGAGCCACAG[CCGCA>C]CGTTGTCGAACTGGGTCACGGTGTCCGCGGCCTCGTAGTACTTCACGTTGGGGCCGCCGT-3'